The following is an entry in ClinVar:

ClinVar aggregate classification (germline): Uncertain significance. Review status: criteria provided, multiple submitters, no conflicts (2 of 4 stars). 2 submissions from 2 submitters: Uncertain significance (2). Last evaluated 2025-06-12.

Conditions:
Inborn genetic diseases. Identifiers: MedGen C0950123, MeSH D030342.

gnomAD v4.1: 3 of 1,603,924 alleles (0.00019%); highest among the groups gnomAD compares: Non-Finnish European, 0.00026%; no homozygotes.

Submissions (2):

Labcorp Genetics (formerly Invitae), Labcorp
Classification: Uncertain significance. Last evaluated: 2025-06-12. Review status: criteria provided, single submitter. Criteria: Invitae Variant Classification Sherloc (09022015). Collection method: clinical testing. Allele origin: germline.
Comment: This sequence change replaces serine, which is neutral and polar, with leucine, which is neutral and non-polar, at codon 242 of the LMX1B protein (p.Ser242Leu). This variant is not present in population databases (gnomAD no frequency). This variant has not been reported in the literature in individuals affected with LMX1B-related conditions. ClinVar contains an entry for this variant (Variation ID: 1476487). Invitae Evidence Modeling of protein sequence and biophysical properties (such as structural, functional, and spatial information, amino acid conservation, physicochemical variation, residue mobility, and thermodynamic stability) indicates that this missense variant is expected to disrupt LMX1B protein function with a positive predictive value of 80%. In summary, the available evidence is currently insufficient to determine the role of this variant in disease. Therefore, it has been classified as a Variant of Uncertain Significance.

Ambry Genetics
Classification: Uncertain significance for Inborn genetic diseases. Last evaluated: 2023-08-21. Review status: criteria provided, single submitter. Criteria: Ambry Variant Classification Scheme 2023. Collection method: clinical testing. Allele origin: germline.

NM_001174147.2(LMX1B):c.725C>T (p.Ser242Leu)

Gene: LMX1B (LIM homeobox transcription factor 1 beta; plus strand). Cytogenetic location: 9q33.3.
Variant type: single nucleotide variant.
Coding change: c.725C>T on transcript NM_001174147.2 (MANE Select); coding-DNA position 725, C replaced by T.
Protein change: p.Ser242Leu; replaces serine 242 with leucine.
Molecular consequence: missense variant.
Genome position (GRCh38, 1-based): chr9:126,693,307, C>T. VCF-style: chr9-126693307-C-T. GRCh37 (hg19) VCF-style: chr9-129455586-C-T.
Other names: c.725C>T (NM_002316.3); c.725C>T, p.Ser242Leu (NM_001174146.2, NM_002316.4); short protein forms S242L.
Identifiers: ClinVar variation 1476487 (VCV001476487.7), dbSNP rs1002033502, ClinGen allele CA374913688.